The following is an entry in ClinVar:

ClinVar aggregate classification (germline): Uncertain significance (1 of 4 stars; one submission).

Allele frequency attached by ClinVar (database versions not stated): ESP Exome Variant Server 0.00008.
gnomAD v4.1: 16 of 1,614,200 alleles (0.00099%); highest among the groups gnomAD compares: Non-Finnish European, 0.0014%; no homozygotes.

Submission:

Labcorp Genetics (formerly Invitae), Labcorp
Classification: Uncertain significance. Last evaluated: 2024-01-10. Review status: criteria provided, single submitter. Criteria: Invitae Variant Classification Sherloc (09022015). Collection method: clinical testing. Allele origin: germline.
Comment: This sequence change replaces arginine, which is basic and polar, with leucine, which is neutral and non-polar, at codon 118 of the CCBE1 protein (p.Arg118Leu). This variant is present in population databases (rs115982879, gnomAD 0.002%). This variant has not been reported in the literature in individuals affected with CCBE1-related conditions. Advanced modeling of protein sequence and biophysical properties (such as structural, functional, and spatial information, amino acid conservation, physicochemical variation, residue mobility, and thermodynamic stability) performed at Invitae indicates that this missense variant is not expected to disrupt CCBE1 protein function with a negative predictive value of 80%. In summary, the available evidence is currently insufficient to determine the role of this variant in disease. Therefore, it has been classified as a Variant of Uncertain Significance.

NM_133459.4(CCBE1):c.353G>T (p.Arg118Leu)

Gene: CCBE1 (collagen and calcium binding EGF domains 1; minus strand). Cytogenetic location: 18q21.32.
Variant type: single nucleotide variant.
Coding change: c.353G>T on transcript NM_133459.4 (MANE Select); coding-DNA position 353, G replaced by T.
Protein change: p.Arg118Leu; replaces arginine 118 with leucine.
Molecular consequence: missense variant.
Genome position (GRCh38, 1-based): chr18:59,469,520, C>A on the plus strand (G>T on the coding strand, the complement: CCBE1 is on the minus strand). VCF-style: chr18-59469520-C-A. GRCh37 (hg19) VCF-style: chr18-57136752-C-A.
Other names: short protein forms R118L.
Identifiers: ClinVar variation 2990712 (VCV002990712.1), dbSNP rs115982879, ClinGen allele CA8980529.